The following is an entry in ClinVar:

NM_014753.4(BMS1):c.1500A>G (p.Ala500=)

Gene: BMS1 (BMS1 ribosome biogenesis factor; plus strand). Cytogenetic location: 10q11.21.
Variant type: single nucleotide variant.
Coding change: c.1500A>G on transcript NM_014753.4 (MANE Select); coding-DNA position 1500, A replaced by G.
Protein change: p.Ala500=; no amino-acid change (alanine 500 retained).
Molecular consequence: synonymous variant.
Genome position (GRCh38, 1-based): chr10:42,796,744, A>G. VCF-style: chr10-42796744-A-G. GRCh37 (hg19) VCF-style: chr10-43292192-A-G.
Identifiers: ClinVar variation 723393 (VCV000723393.8), dbSNP rs142052016, ClinGen allele CA5475774.
Genomic context (GRCh38, chr10:42,796,744, plus strand): 5'-TAAGGGCATCAAACGACGGAAACTTGAGTTGGAAGAAGACAGTGAAATGGATTTGCCAGC[A>G]TTTGCTGACAGTGACGATGACCTTGAGAGGAGCTCAGCGGAAGAAGGGGAAGCGGAGGAA-3'
Protein context (NP_055568.3, residues 490-510): LEEDSEMDLP[Ala500=]FADSDDDLER

ClinVar aggregate classification (germline): Benign/Likely benign. Review status: criteria provided, multiple submitters, no conflicts (2 of 4 stars). 4 submissions from 4 submitters: Benign (2); Likely benign (1). 1 of the submissions does not count toward it. Last evaluated 2024-09-09.

Conditions:
BMS1-related disorder. Also called: BMS1-related condition.

Allele frequency attached by ClinVar (database versions not stated): gnomAD exomes 0.00022 and 0.00053; ExAC 0.00068; gnomAD 0.00187 and 0.00195; TOPMed 0.00221; 1000 Genomes Project 0.00260; ESP Exome Variant Server 0.00261; 1000 Genomes Project 30x 0.00312.
gnomAD v4.1: 624 of 1,614,256 alleles (0.039%); highest among the groups gnomAD compares: African/African-American, 0.75%; no homozygotes.

Submissions (4):

Blueprint Genetics
Classification: Likely benign. Last evaluated: 2024-09-09. Review status: criteria provided, single submitter. Criteria: ACMG Guidelines, 2015. Collection method: clinical testing. Allele origin: germline.

Labcorp Genetics (formerly Invitae), Labcorp
Classification: Benign. Last evaluated: 2019-12-31. Review status: criteria provided, single submitter. Criteria: Invitae Variant Classification Sherloc (09022015). Collection method: clinical testing. Allele origin: germline.

Breakthrough Genomics
Classification: Benign. Review status: criteria provided, single submitter. Criteria: ACMG Guidelines, 2015. Collection method: not provided. Allele origin: germline. Inheritance: Autosomal dominant inheritance. Affected: yes.

PreventionGenetics, part of Exact Sciences
Classification: Benign for BMS1-related condition. Last evaluated: 2019-06-06. Review status: no assertion criteria provided. Collection method: clinical testing. Allele origin: germline. Not counted in ClinVar's aggregate classification.
Comment: This variant is classified as benign based on ACMG/AMP sequence variant interpretation guidelines (Richards et al. 2015 PMID: 25741868, with internal and published modifications).